The following is an entry in ClinVar:

NM_001164508.2(NEB):c.2569G>A (p.Gly857Arg)

Gene: NEB (nebulin; minus strand). Cytogenetic location: 2q23.3.
Variant type: single nucleotide variant.
Coding change: c.2569G>A on transcript NM_001164508.2 (MANE Select); coding-DNA position 2569, G replaced by A.
Protein change: p.Gly857Arg; replaces glycine 857 with arginine.
Molecular consequence: missense variant.
Genome position (GRCh38, 1-based): chr2:151,687,487, C>T on the plus strand (G>A on the coding strand, the complement: NEB is on the minus strand). VCF-style: chr2-151687487-C-T. GRCh37 (hg19) VCF-style: chr2-152544001-C-T.
Other names: c.2569G>A, p.Gly857Arg (NM_001164507.2, NM_001271208.2, NM_004543.5); short protein forms G857R.
Identifiers: ClinVar variation 567956 (VCV000567956.6), dbSNP rs1559253666, ClinGen allele CA348822666.

ClinVar aggregate classification (germline): Uncertain significance. Review status: criteria provided, single submitter (1 of 4 stars). 2 submissions from 2 submitters: Uncertain significance (1). 1 of the submissions does not count toward it. Last evaluated 2019-07-08.

Conditions:
Nemaline myopathy 2 (NEM2). Also called: Nemaline myopathy 2, autosomal recessive. Identifiers: MedGen C1850569, MONDO:0009725, OMIM 256030.

Submissions (2):

Labcorp Genetics (formerly Invitae), Labcorp
Classification: Uncertain significance for Nemaline myopathy 2. Last evaluated: 2019-07-08. Review status: criteria provided, single submitter. Criteria: Invitae Variant Classification Sherloc (09022015). Collection method: clinical testing. Allele origin: germline.
Comment: This sequence change replaces glycine with arginine at codon 857 of the NEB protein (p.Gly857Arg). The glycine residue is moderately conserved and there is a moderate physicochemical difference between glycine and arginine. This variant is not present in population databases (ExAC no frequency). This variant has not been reported in the literature in individuals with NEB-related disease. Algorithms developed to predict the effect of missense changes on protein structure and function do not agree on the potential impact of this missense change (SIFT: "Deleterious"; Align-GVGD: "Class C0"). In summary, the available evidence is currently insufficient to determine the role of this variant in disease. Therefore, it has been classified as a Variant of Uncertain Significance.

Natera, Inc.
Classification: Uncertain significance for Nemaline myopathy type 2. Last evaluated: 2020-08-26. Review status: no assertion criteria provided. Collection method: clinical testing. Allele origin: germline. Not counted in ClinVar's aggregate classification.